The following is an entry in ClinVar:

ClinVar aggregate classification (germline): Pathogenic (1 of 4 stars; one submission).

Conditions:
Fanconi anemia (FA). Also called: Fanconi's anemia. Identifiers: Orphanet 84, MedGen C0015625, MeSH D005199, MONDO:0019391.

Submission:

Labcorp Genetics (formerly Invitae), Labcorp
Classification: Pathogenic for Fanconi anemia. Last evaluated: 2023-09-05. Review status: criteria provided, single submitter. Criteria: Invitae Variant Classification Sherloc (09022015). Collection method: clinical testing. Allele origin: germline.
Comment: This sequence change creates a premature translational stop signal (p.Ile639Thrfs*27) in the FANCD2 gene. It is expected to result in an absent or disrupted protein product. Loss-of-function variants in FANCD2 are known to be pathogenic (PMID: 17436244). This variant is not present in population databases (gnomAD no frequency). This variant has not been reported in the literature in individuals affected with FANCD2-related conditions. For these reasons, this variant has been classified as Pathogenic.

Literature cited by the submitters: PubMed 17436244.

NM_001018115.3(FANCD2):c.1916del (p.Ile639fs)

Genes: FANCD2 (FA complementation group D2; plus strand), LOC107303338 (3p25 FANCD2 Alu-mediated recombination region; plus strand). Cytogenetic location: 3p25.3.
Variant type: Deletion.
Coding change: c.1916del on transcript NM_001018115.3 (MANE Select); coding-DNA position 1916, one base deleted (T; older notation c.1916delT).
Protein change: p.Ile639fs; shifts the reading frame from isoleucine 639.
Molecular consequence: frameshift variant.
Genome position (GRCh38, 1-based): chr3:10,063,880, T deleted. VCF-style (leftmost placement, unchanged base first): chr3-10063879-AT-A. GRCh37 (hg19) VCF-style: chr3-10105563-AT-A.
Other names: c.1916del, p.Ile639fs (NM_001319984.2, NM_001374254.1, NM_033084.6); c.1805del, p.Ile602fs (NM_001374253.1); short protein forms I639fs, I602fs.
Identifiers: ClinVar variation 2758152 (VCV002758152.3), dbSNP rs2469965487, ClinGen allele CA2697550652.